The following is an entry in ClinVar:

NM_022470.4(ZMAT3):c.182G>A (p.Cys61Tyr)

Gene: ZMAT3 (zinc finger matrin-type 3; minus strand). Cytogenetic location: 3q26.32.
Variant type: single nucleotide variant.
Coding change: c.182G>A on transcript NM_022470.4 (MANE Select); coding-DNA position 182, G replaced by A.
Protein change: p.Cys61Tyr; replaces cysteine 61 with tyrosine.
Molecular consequence: missense variant.
Genome position (GRCh38, 1-based): chr3:179,067,571, C>T on the plus strand (G>A on the coding strand, the complement: ZMAT3 is on the minus strand). VCF-style: chr3-179067571-C-T. GRCh37 (hg19) VCF-style: chr3-178785359-C-T.
Other names: c.182G>A, p.Cys61Tyr (NM_152240.3); short protein forms C61Y.
Identifiers: ClinVar variation 161760 (VCV000161760.2), dbSNP rs193920814, ClinGen allele CA174734.

ClinVar aggregate classification (germline): Uncertain significance (0 of 4 stars; one submission).

Conditions:
Prostate cancer. Also called: Malignant tumor of prostate. Identifiers: Orphanet 1331, MedGen C0376358, MONDO:0008315, HP:0012125.

Allele frequency attached by ClinVar (database versions not stated): TOPMed below 0.00001.

Submission:

Science for Life laboratory,  Karolinska Institutet
Classification: Uncertain significance for Malignant tumor of prostate. Review status: no assertion criteria provided. Collection method: not provided. Allele origin: somatic.
Comment: TumorID:SWE-12B
ClinVar note: Converted during submission from Unknown to Uncertain significance.